The following is an entry in ClinVar:

NM_000136.3(FANCC):c.201del (p.Ile67fs)

Gene: FANCC (FA complementation group C; minus strand). Cytogenetic location: 9q22.32.
Variant type: Deletion.
Coding change: c.201del on transcript NM_000136.3 (MANE Select); coding-DNA position 201, one base deleted (T; older notation c.201delT).
Protein change: p.Ile67fs; shifts the reading frame from isoleucine 67.
Molecular consequence: frameshift variant.
Genome position (GRCh38, 1-based): chr9:95,247,481, A deleted on the plus strand (T on the coding strand, the reverse complement: FANCC is on the minus strand); the first of 2 consecutive A bases (chr9:95,247,481-95,247,482); deleting either gives the same sequence. VCF-style (leftmost placement, unchanged base first): chr9-95247480-CA-C. GRCh37 (hg19) VCF-style: chr9-98009762-CA-C.
Other names: c.201del, p.Ile67fs (NM_001243743.2, NM_001243744.2); short protein forms I67fs.
Identifiers: ClinVar variation 1073407 (VCV001073407.7), dbSNP rs2136091157, ClinGen allele CA2499220017.

ClinVar aggregate classification (germline): Pathogenic (1 of 4 stars; one submission).

Conditions:
Fanconi anemia (FA). Also called: Fanconi's anemia. Identifiers: Orphanet 84, MedGen C0015625, MeSH D005199, MONDO:0019391.

Submission:

Labcorp Genetics (formerly Invitae), Labcorp
Classification: Pathogenic for Fanconi anemia. Last evaluated: 2020-09-17. Review status: criteria provided, single submitter. Criteria: Invitae Variant Classification Sherloc (09022015). Collection method: clinical testing. Allele origin: germline.
Comment: This sequence change creates a premature translational stop signal (p.Ile67Metfs*15) in the FANCC gene. It is expected to result in an absent or disrupted protein product. For these reasons, this variant has been classified as Pathogenic. Loss-of-function variants in FANCC are known to be pathogenic (PMID: 17924555). This variant has not been reported in the literature in individuals with FANCC-related conditions. This variant is not present in population databases (ExAC no frequency).

Literature cited by the submitters: PubMed 17924555.